The following is an entry in ClinVar:

NM_003673.4(TCAP):c.475T>A (p.Ser159Thr)

Gene: TCAP (titin-cap; plus strand). Cytogenetic location: 17q12.
Variant type: single nucleotide variant.
Coding change: c.475T>A on transcript NM_003673.4 (MANE Select); coding-DNA position 475, T replaced by A.
Protein change: p.Ser159Thr; replaces serine 159 with threonine.
Molecular consequence: missense variant.
Genome position (GRCh38, 1-based): chr17:39,666,080, T>A. VCF-style: chr17-39666080-T-A. GRCh37 (hg19) VCF-style: chr17-37822333-T-A.
Other names: p.S159T:TCC>ACC; short protein forms S159T.
Identifiers: ClinVar variation 202106 (VCV000202106.2), dbSNP rs794729176, ClinGen allele CA308829.
Genomic context (GRCh38, chr17:39,666,080, plus strand): 5'-CAGCTGCCCCCTGTGGTGCCTGTCAGCAAGCCCGGTGCACTTCGTCGCTCCCTGTCCCGC[T>A]CCATGTCCCAGGAAGCACAGAGAGGCTGAGAGGGACTGTGACTTGGGCTCCGCTGTGCCC-3'
Protein context (NP_003664.1, residues 149-167): PGALRRSLSR[Ser159Thr]MSQEAQRG

ClinVar aggregate classification (germline): Uncertain significance (1 of 4 stars; one submission).

Submission:

GeneDx
Classification: Uncertain significance. Last evaluated: 2016-11-30. Review status: criteria provided, single submitter. Criteria: GeneDx Variant Classification (06012015). Collection method: clinical testing. Allele origin: germline. Affected: yes.
Comment: p.Ser159Thr (TCC>ACC): c.475 T>A in exon 2 of the TCAP gene (NM_003673.3). A variant of uncertain significance has been identified in the TCAP gene. The S159T variant has not been published as a pathogenic variant, nor has it been reported as a benign variant to our knowledge. This variant was not observed in approximately 6,500 individuals of European and African American ancestry in the NHLBI Exome Sequencing Project, indicating it is not a common benign variant in these populations. This substitution occurs at a position that is conserved across species and in silico analysis suggests this variant is probably damaging to the protein structure/function. However, the S159T variant is a conservative amino acid substitution, which is not likely to impact secondary protein structure as these residues share similar properties. Therefore, based on the currently available information, it is unclear whether this variant is pathogenic or rare benign.